The following is an entry in ClinVar:

ClinVar aggregate classification (germline): Pathogenic/Likely pathogenic. Review status: criteria provided, multiple submitters, no conflicts (2 of 4 stars). 2 submissions from 2 submitters: Pathogenic (1); Likely pathogenic (1). Last evaluated 2024-04-17.

Conditions:
Cardiovascular phenotype. Identifiers: MedGen CN230736.
Arrhythmogenic right ventricular dysplasia 8 (ARVD8). Also called: Arrhythmogenic Right Ventricular Dysplasia/Cardiomyopathy 8; ARRHYTHMOGENIC RIGHT VENTRICULAR DYSPLASIA, FAMILIAL, 8; ARRHYTHMOGENIC RIGHT VENTRICULAR CARDIOMYOPATHY 8. Identifiers: MedGen C1843896, MONDO:0011831, OMIM 607450.
Arrhythmogenic cardiomyopathy with wooly hair and keratoderma. Also called: PALMOPLANTAR KERATODERMA WITH LEFT VENTRICULAR CARDIOMYOPATHY AND WOOLLY HAIR; Carvajal syndrome; Arrhythmogenic cardiomyopathy with woolly hair and keratoderma; Dilated cardiomyopathy with woolly hair and keratoderma. Identifiers: Orphanet 65282, MedGen C1854063, MONDO:0011581, OMIM 605676.

Submissions (2):

Labcorp Genetics (formerly Invitae), Labcorp
Classification: Pathogenic for Arrhythmogenic cardiomyopathy with wooly hair and keratoderma; Arrhythmogenic right ventricular dysplasia 8. Last evaluated: 2024-04-17. Review status: criteria provided, single submitter. Criteria: Invitae Variant Classification Sherloc (09022015). Collection method: clinical testing. Allele origin: germline.
Comment: This sequence change creates a premature translational stop signal (p.Gln2730Serfs*16) in the DSP gene. While this is not anticipated to result in nonsense mediated decay, it is expected to disrupt the last 142 amino acid(s) of the DSP protein. This variant is not present in population databases (gnomAD no frequency). This premature translational stop signal has been observed in individuals with clinical features of cardiomyopathy (PMID: 27532257, 28527814, 36580316; Invitae). ClinVar contains an entry for this variant (Variation ID: 263803). This variant disrupts the C-terminus of the DSP protein. Other variant(s) that disrupt this region (p.Thr2733Serfs*14, p.Gln2765Alafs*23, p.Ser2859Leufs*6) have been observed in individuals with DSP-related conditions (PMID: 2185974, 28527814; Invitae). This suggests that this may be a clinically significant region of the protein. For these reasons, this variant has been classified as Pathogenic.

Ambry Genetics
Classification: Likely pathogenic for Cardiovascular phenotype. Last evaluated: 2019-02-11. Review status: criteria provided, single submitter. Criteria: Ambry Autosomal Dominant and X-Linked criteria (3/2017). Collection method: clinical testing. Allele origin: germline. Observed: 1 variant allele.
Comment: The c.8188delC variant, located in coding exon 24 of the DSP gene, results from a deletion of one nucleotide at nucleotide position 8188, causing a translational frameshift with a predicted alternate stop codon (p.Q2670Sfs*16). This alteration has been observed in dilated cardiomyopathy and arrhythmogenic right ventricular cardiomyopathy cohorts (Castelletti S et al. Int. J. Cardiol., 2017 Dec;249:268-273; Walsh R et al. Genet. Med., 2017 02;19:192-203). This variant was not reported in population-based cohorts in the Genome Aggregation Database (gnomAD). Frameshifts are typically deleterious in nature, and while this frameshift occurs at the 3' terminus of DSP and is not expected to trigger nonsense-mediated mRNA decay, the last 140 amino acids of the protein (including two plectin domains and a plakin repeat region) are removed. Based on the majority of available evidence to date, this variant is likely to be pathogenic.

Literature cited by the submitters: PubMed 27532257 (cited by Labcorp Genetics (formerly Invitae), Labcorp and Ambry Genetics); PubMed 28527814 (cited by Labcorp Genetics (formerly Invitae), Labcorp and Ambry Genetics); PubMed 36580316 (cited by Labcorp Genetics (formerly Invitae), Labcorp); PubMed 2185974 (cited by Labcorp Genetics (formerly Invitae), Labcorp); PubMed 28152038 (cited by Ambry Genetics).

NM_004415.4(DSP):c.8188del (p.Gln2730fs)

Gene: DSP (desmoplakin; plus strand). Cytogenetic location: 6p24.3.
Variant type: Deletion.
Coding change: c.8188del on transcript NM_004415.4 (MANE Select); coding-DNA position 8188, one base deleted (C; older notation c.8188delC).
Protein change: p.Gln2730fs; shifts the reading frame from glutamine 2730.
Molecular consequence: frameshift variant.
Genome position (GRCh38, 1-based): chr6:7,585,450, C deleted; the last of 2 consecutive C bases (chr6:7,585,449-7,585,450); deleting either gives the same sequence. VCF-style (leftmost placement, unchanged base first): chr6-7585448-TC-T. GRCh37 (hg19) VCF-style: chr6-7585681-TC-T.
Other names: c.8188del (LRG_423t1); c.6391del, p.Gln2131fs (NM_001008844.3); c.6859del, p.Gln2287fs (NM_001319034.2); short protein forms Q2131fs, Q2287fs, Q2730fs.
Identifiers: ClinVar variation 263803 (VCV000263803.11), dbSNP rs886038929, ClinGen allele CA10587637.